The following is an entry in ClinVar:

NM_002180.3(IGHMBP2):c.1756+13C>T

Gene: IGHMBP2 (immunoglobulin mu DNA binding protein 2; plus strand). Cytogenetic location: 11q13.3.
Variant type: single nucleotide variant.
Coding change: c.1756+13C>T on transcript NM_002180.3 (MANE Select); 13 bases into the intron after coding-DNA position 1756, C replaced by T.
Molecular consequence: intron variant.
Genome position (GRCh38, 1-based): chr11:68,935,435, C>T. VCF-style: chr11-68935435-C-T. GRCh37 (hg19) VCF-style: chr11-68702903-C-T.
Identifiers: ClinVar variation 509080 (VCV000509080.4), dbSNP rs568649635, ClinGen allele CA223412186.

ClinVar aggregate classification (germline): Likely benign. Review status: criteria provided, multiple submitters, no conflicts (2 of 4 stars). 2 submissions from 2 submitters: Likely benign (2). Last evaluated 2023-04-03.

Conditions:
Charcot-Marie-Tooth disease axonal type 2S. Also called: CHARCOT-MARIE-TOOTH NEUROPATHY, TYPE 2S; CHARCOT-MARIE-TOOTH DISEASE, AXONAL, AUTOSOMAL RECESSIVE, TYPE 2S. Identifiers: Orphanet 443073, MedGen C4015349, MONDO:0014511, OMIM 616155.
Autosomal recessive distal spinal muscular atrophy 1. Also called: HMN VI; NEURONOPATHY, SEVERE INFANTILE AXONAL, WITH RESPIRATORY FAILURE; SEVERE INFANTILE AXONAL NEUROPATHY WITH RESPIRATORY FAILURE; SPINAL MUSCULAR ATROPHY, DIAPHRAGMATIC; Spinal muscular atrophy with respiratory distress 1; NEURONOPATHY, DISTAL HEREDITARY MOTOR, HARDING TYPE VI. Identifiers: Orphanet 98920, MedGen C1858517, MONDO:0011436, OMIM 604320.

Allele frequency attached by ClinVar (database versions not stated): TOPMed below 0.00001; gnomAD 0.00001 and 0.00002; gnomAD exomes 0.00001.
gnomAD v4.1: 10 of 1,613,832 alleles (0.00062%); highest among the groups gnomAD compares: African/African-American, 0.0027%; no homozygotes.

Submissions (2):

Labcorp Genetics (formerly Invitae), Labcorp
Classification: Likely benign for Autosomal recessive distal spinal muscular atrophy 1; Charcot-Marie-Tooth disease axonal type 2S. Last evaluated: 2023-04-03. Review status: criteria provided, single submitter. Criteria: Invitae Variant Classification Sherloc (09022015). Collection method: clinical testing. Allele origin: germline.

GeneDx
Classification: Likely benign. Last evaluated: 2017-04-20. Review status: criteria provided, single submitter. Criteria: GeneDx Variant Classification (06012015). Collection method: clinical testing. Allele origin: germline. Affected: yes.
Comment: This variant is considered likely benign or benign based on one or more of the following criteria: it is a conservative change, it occurs at a poorly conserved position in the protein, it is predicted to be benign by multiple in silico algorithms, and/or has population frequency not consistent with disease.